The following is an entry in ClinVar:

ClinVar aggregate classification (germline): Uncertain significance (1 of 4 stars; one submission).

Conditions:
Early Myoclonic Encephalopathy. Identifiers: MedGen C0270855.

Submission:

Labcorp Genetics (formerly Invitae), Labcorp
Classification: Uncertain significance for Early Myoclonic Encephalopathy. Last evaluated: 2022-10-25. Review status: criteria provided, single submitter. Criteria: Invitae Variant Classification Sherloc (09022015). Collection method: clinical testing. Allele origin: germline.
Comment: This variant is not present in population databases (gnomAD no frequency). This sequence change replaces arginine, which is basic and polar, with lysine, which is basic and polar, at codon 72 of the KCND2 protein (p.Arg72Lys). This variant has not been reported in the literature in individuals affected with KCND2-related conditions. In summary, the available evidence is currently insufficient to determine the role of this variant in disease. Therefore, it has been classified as a Variant of Uncertain Significance. Advanced modeling of protein sequence and biophysical properties (such as structural, functional, and spatial information, amino acid conservation, physicochemical variation, residue mobility, and thermodynamic stability) performed at Invitae indicates that this missense variant is not expected to disrupt KCND2 protein function.

NM_012281.3(KCND2):c.215G>A (p.Arg72Lys)

Gene: KCND2 (potassium voltage-gated channel subfamily D member 2; plus strand). Cytogenetic location: 7q31.31.
Variant type: single nucleotide variant.
Coding change: c.215G>A on transcript NM_012281.3 (MANE Select); coding-DNA position 215, G replaced by A.
Protein change: p.Arg72Lys; replaces arginine 72 with lysine.
Molecular consequence: missense variant.
Genome position (GRCh38, 1-based): chr7:120,274,847, G>A. VCF-style: chr7-120274847-G-A. GRCh37 (hg19) VCF-style: chr7-119914901-G-A.
Other names: short protein forms R72K.
Identifiers: ClinVar variation 2142080 (VCV002142080.4), dbSNP rs2546906931, ClinGen allele CA369131081.